The following is an entry in ClinVar:

ClinVar aggregate classification (germline): Likely pathogenic (1 of 4 stars; one submission).

Conditions:
BBS2-related disorder. Also called: BBS2-related disorders; BBS2-related condition. Identifiers: MedGen CN239228.

Submission:

PreventionGenetics, part of Exact Sciences
Classification: Likely pathogenic for BBS2-related condition. Last evaluated: 2026-06-06. Review status: criteria provided, single submitter. Criteria: ACMG Guidelines, 2015. Collection method: clinical testing. Allele origin: germline.
Comment: The BBS2 c.1442dupT variant is predicted to result in a frameshift and premature protein termination (p.Ser482Leufs*13). To our knowledge, this variant has not been reported in the literature or in a large population database (gnomAD), indicating this variant is rare. Frameshift variants in BBS2 are expected to be pathogenic. This variant is interpreted as likely pathogenic.

NM_031885.5(BBS2):c.1442dup (p.Ser482fs)

Gene: BBS2 (Bardet-Biedl syndrome 2; minus strand). Cytogenetic location: 16q13.
Variant type: Duplication.
Coding change: c.1442dup on transcript NM_031885.5 (MANE Select); coding-DNA position 1442, one base duplicated (T; older notation c.1442dupT).
Protein change: p.Ser482fs; shifts the reading frame from serine 482.
Molecular consequence: frameshift variant. On other transcripts: non-coding transcript variant (5).
Genome position (GRCh38, 1-based): chr16:56,499,863, A duplicated on the plus strand (T on the coding strand, the reverse complement: BBS2 is on the minus strand); the first of 2 consecutive A bases (chr16:56,499,863-56,499,864); duplicating either gives the same sequence. VCF-style (leftmost placement, unchanged base first): chr16-56499862-G-GA. GRCh37 (hg19) VCF-style: chr16-56533774-G-GA.
Other names: c.1442dup, p.Ser482fs (NM_001377456.1); short protein forms S482fs.
Identifiers: ClinVar variation 4991925 (VCV004991925.1).
Genomic context (GRCh38, chr16:56,499,862, plus strand): 5'-AAAGTTAACATAACTGATTGGCTCACTGGCAGGGTCCAGGCTGGTCAGCGCATACATGGA[G>GA]AATCGAGGGAGCTGTCTTGTCGATTCAAATACATGAAACTGGGTGCTATGGCCAATCAAT-3'